The following is an entry in ClinVar:

ClinVar aggregate classification (germline): Likely benign. Review status: criteria provided, multiple submitters, no conflicts (2 of 4 stars). 3 submissions from 3 submitters: Likely benign (2). 1 of the submissions does not count toward it. Last evaluated 2025-12-09.

Conditions:
RPL18-related disorder. Also called: RPL18-related condition.

Allele frequency attached by ClinVar (database versions not stated): TOPMed 0.00014; gnomAD 0.00017; gnomAD exomes 0.00018; ExAC 0.00021; ESP Exome Variant Server 0.00038.
gnomAD v4.1: 295 of 1,613,956 alleles (0.018%); highest among the groups gnomAD compares: Middle Eastern, 0.76%; 2 homozygotes.

Submissions (3):

Labcorp Genetics (formerly Invitae), Labcorp
Classification: Likely benign. Last evaluated: 2025-12-09. Review status: criteria provided, single submitter. Criteria: Invitae Variant Classification Sherloc (09022015). Collection method: clinical testing. Allele origin: germline.

Blueprint Genetics
Classification: Likely benign. Last evaluated: 2024-11-12. Review status: criteria provided, single submitter. Criteria: ACMG Guidelines, 2015. Collection method: clinical testing. Allele origin: germline.

PreventionGenetics, part of Exact Sciences
Classification: Likely benign for RPL18-related condition. Last evaluated: 2019-05-23. Review status: no assertion criteria provided. Collection method: clinical testing. Allele origin: germline. Not counted in ClinVar's aggregate classification.
Comment: This variant is classified as likely benign based on ACMG/AMP sequence variant interpretation guidelines (Richards et al. 2015 PMID: 25741868, with internal and published modifications).

NM_000979.4(RPL18):c.186C>A (p.Ser62=)

Gene: RPL18 (ribosomal protein L18; minus strand). Cytogenetic location: 19q13.33.
Variant type: single nucleotide variant.
Coding change: c.186C>A on transcript NM_000979.4 (MANE Select); coding-DNA position 186, C replaced by A.
Protein change: p.Ser62=; no amino-acid change (serine 62 retained).
Molecular consequence: synonymous variant. On other transcripts: non-coding transcript variant (1).
Genome position (GRCh38, 1-based): chr19:48,617,328, G>T on the plus strand (C>A on the coding strand, the complement: RPL18 is on the minus strand). VCF-style: chr19-48617328-G-T. GRCh37 (hg19) VCF-style: chr19-49120585-G-T.
Other names: c.99C>A, p.Ser33= (NM_001270490.2); c.186C>A (NM_000979.3).
Identifiers: ClinVar variation 2067459 (VCV002067459.7), dbSNP rs201393157, ClinGen allele CA9554254.